The following is an entry in ClinVar:

ClinVar aggregate classification (germline): Likely benign (1 of 4 stars; one submission).

Allele frequency attached by ClinVar (database versions not stated): 1000 Genomes Project 30x 0.00062; 1000 Genomes Project 0.00080; ESP Exome Variant Server 0.00246; ExAC 0.00274.
gnomAD v4.1: 4,883 of 1,613,588 alleles (0.3%); highest among the groups gnomAD compares: Non-Finnish European, 0.36%; 13 homozygotes.

Submission:

CeGaT Center for Human Genetics Tuebingen
Classification: Likely benign. Last evaluated: 2023-09-01. Review status: criteria provided, single submitter. Criteria: CeGaT Center For Human Genetics Tuebingen Variant Classification Criteria Version 2. Collection method: clinical testing. Allele origin: germline. Affected: yes. Observed: 1 variant allele.
Comment: SERPINA5: BP4, BS2

NM_000624.6(SERPINA5):c.682G>C (p.Glu228Gln)

Gene: SERPINA5 (serpin family A member 5; plus strand). Cytogenetic location: 14q32.13.
Variant type: single nucleotide variant.
Coding change: c.682G>C on transcript NM_000624.6 (MANE Select); coding-DNA position 682, G replaced by C.
Protein change: p.Glu228Gln; replaces glutamic acid 228 with glutamine.
Molecular consequence: missense variant.
Genome position (GRCh38, 1-based): chr14:94,590,103, G>C. VCF-style: chr14-94590103-G-C. GRCh37 (hg19) VCF-style: chr14-95056440-G-C.
Other names: short protein forms E228Q.
Identifiers: ClinVar variation 2644480 (VCV002644480.24), dbSNP rs140138746, ClinGen allele CA7329382.